The following is an entry in ClinVar:

ClinVar aggregate classification (germline): Uncertain significance (1 of 4 stars; one submission).

Conditions:
Hereditary cancer-predisposing syndrome. Also called: Hereditary Cancer Syndrome; Hereditary neoplastic syndrome; Neoplastic Syndromes, Hereditary; Tumor predisposition. Identifiers: Orphanet 140162, MedGen C0027672, MeSH D009386, MONDO:0015356.

Allele frequency attached by ClinVar (database versions not stated): gnomAD exomes below 0.00001; gnomAD 0.00001; TOPMed 0.00003.
gnomAD v4.1: 6 of 1,614,094 alleles (0.00037%); highest among the groups gnomAD compares: African/African-American, 0.0027%; no homozygotes.

Submission:

Ambry Genetics
Classification: Uncertain significance for Hereditary cancer-predisposing syndrome. Last evaluated: 2022-08-23. Review status: criteria provided, single submitter. Criteria: Ambry Variant Classification Scheme 2023. Collection method: clinical testing. Allele origin: germline.
Comment: The p.V333A variant (also known as c.998T>C), located in coding exon 8 of the SDHA gene, results from a T to C substitution at nucleotide position 998. The valine at codon 333 is replaced by alanine, an amino acid with similar properties. This amino acid position is conserved. In addition, this alteration is predicted to be tolerated by in silico analysis. Since supporting evidence is limited at this time, the clinical significance of this alteration remains unclear.

NM_004168.4(SDHA):c.998T>C (p.Val333Ala)

Gene: SDHA (succinate dehydrogenase complex flavoprotein subunit A; plus strand). Cytogenetic location: 5p15.33.
Variant type: single nucleotide variant.
Coding change: c.998T>C on transcript NM_004168.4 (MANE Select); coding-DNA position 998, T replaced by C.
Protein change: p.Val333Ala; replaces valine 333 with alanine.
Molecular consequence: missense variant.
Genome position (GRCh38, 1-based): chr5:233,579, T>C. VCF-style: chr5-233579-T-C. GRCh37 (hg19) VCF-style: chr5-233694-T-C.
Other names: c.854T>C, p.Val285Ala (NM_001294332.2); c.998T>C, p.Val333Ala (NM_001330758.2); short protein forms V285A, V333A.
Identifiers: ClinVar variation 1768826 (VCV001768826.2), dbSNP rs1334921669, ClinGen allele CA359012815.